The following is an entry in ClinVar:

NM_020549.5(CHAT):c.1435G>C (p.Ala479Pro)

Gene: CHAT (choline O-acetyltransferase; plus strand). Cytogenetic location: 10q11.23.
Variant type: single nucleotide variant.
Coding change: c.1435G>C on transcript NM_020549.5 (MANE Select); coding-DNA position 1435, G replaced by C.
Protein change: p.Ala479Pro; replaces alanine 479 with proline.
Molecular consequence: missense variant.
Genome position (GRCh38, 1-based): chr10:49,649,560, G>C. VCF-style: chr10-49649560-G-C. GRCh37 (hg19) VCF-style: chr10-50857606-G-C.
Other names: c.1081G>C, p.Ala361Pro (NM_001142929.2, NM_001142934.2, NM_020984.4 and 2 more transcripts); c.1189G>C, p.Ala397Pro (NM_001142933.2); short protein forms A397P, A479P, A361P.
Identifiers: ClinVar variation 1435467 (VCV001435467.5), dbSNP rs3793795, ClinGen allele CA376743527.

ClinVar aggregate classification (germline): Uncertain significance (1 of 4 stars; one submission).

Conditions:
Familial infantile myasthenia (CMS6). Also called: Congenital myasthenic syndrome type 6; MYASTHENIC SYNDROME, PRESYNAPTIC, CONGENITAL, ASSOCIATED WITH EPISODIC APNEA; MYASTHENIC SYNDROME, CONGENITAL, 6, PRESYNAPTIC. Identifiers: Orphanet 590, MedGen C0393929, MONDO:0009689, OMIM 254210.

gnomAD v4.1: 7 of 1,613,806 alleles (0.00043%); highest among the groups gnomAD compares: South Asian, 0.0066%; no homozygotes.

Submission:

Labcorp Genetics (formerly Invitae), Labcorp
Classification: Uncertain significance for Familial infantile myasthenia. Last evaluated: 2022-07-05. Review status: criteria provided, single submitter. Criteria: Invitae Variant Classification Sherloc (09022015). Collection method: clinical testing. Allele origin: germline.
Comment: This sequence change replaces alanine, which is neutral and non-polar, with proline, which is neutral and non-polar, at codon 479 of the CHAT protein (p.Ala479Pro). This variant is present in population databases (no rsID available, gnomAD 0.01%). This variant has not been reported in the literature in individuals affected with CHAT-related conditions. ClinVar contains an entry for this variant (Variation ID: 1435467). Advanced modeling of protein sequence and biophysical properties (such as structural, functional, and spatial information, amino acid conservation, physicochemical variation, residue mobility, and thermodynamic stability) performed at Invitae indicates that this missense variant is not expected to disrupt CHAT protein function. In summary, the available evidence is currently insufficient to determine the role of this variant in disease. Therefore, it has been classified as a Variant of Uncertain Significance.